The following is an entry in ClinVar:

ClinVar aggregate classification (germline): Uncertain significance (1 of 4 stars; one submission).

Submission:

Labcorp Genetics (formerly Invitae), Labcorp
Classification: Uncertain significance. Last evaluated: 2022-11-28. Review status: criteria provided, single submitter. Criteria: Invitae Variant Classification Sherloc (09022015). Collection method: clinical testing. Allele origin: germline.
Comment: This sequence change replaces glycine, which is neutral and non-polar, with arginine, which is basic and polar, at codon 1104 of the SORL1 protein (p.Gly1104Arg). This variant is not present in population databases (gnomAD no frequency). This variant has not been reported in the literature in individuals affected with SORL1-related conditions. Algorithms developed to predict the effect of missense changes on protein structure and function are either unavailable or do not agree on the potential impact of this missense change (SIFT: "Deleterious"; PolyPhen-2: "Probably Damaging"; Align-GVGD: "Class C0"). In summary, the available evidence is currently insufficient to determine the role of this variant in disease. Therefore, it has been classified as a Variant of Uncertain Significance.

NM_003105.6(SORL1):c.3310G>A (p.Gly1104Arg)

Genes: SORL1 (sortilin related receptor 1; plus strand), LOC130006953 (ATAC-STARR-seq lymphoblastoid active region 5661; plus strand). Cytogenetic location: 11q24.1.
Variant type: single nucleotide variant.
Coding change: c.3310G>A on transcript NM_003105.6 (MANE Select); coding-DNA position 3310, G replaced by A.
Protein change: p.Gly1104Arg; replaces glycine 1104 with arginine.
Molecular consequence: missense variant.
Genome position (GRCh38, 1-based): chr11:121,570,243, G>A. VCF-style: chr11-121570243-G-A. GRCh37 (hg19) VCF-style: chr11-121440952-G-A.
Other names: short protein forms G1104R.
Identifiers: ClinVar variation 2977561 (VCV002977561.3), dbSNP rs2496915720, ClinGen allele CA383038790.